The following is an entry in ClinVar:

ClinVar aggregate classification (germline): Uncertain significance. Review status: criteria provided, multiple submitters, no conflicts (2 of 4 stars). 2 submissions from 2 submitters: Uncertain significance (2). Last evaluated 2024-01-31.

Conditions:
Inborn genetic diseases. Identifiers: MedGen C0950123, MeSH D030342.

Allele frequency attached by ClinVar (database versions not stated): ExAC 0.00002; gnomAD 0.00002; gnomAD exomes 0.00002; TOPMed 0.00002; ESP Exome Variant Server 0.00008.
gnomAD v4.1: 9 of 1,613,712 alleles (0.00056%); highest among the groups gnomAD compares: African/African-American, 0.0013%; no homozygotes.

Submissions (2):

Ambry Genetics
Classification: Uncertain significance for Inborn genetic diseases. Last evaluated: 2024-01-31. Review status: criteria provided, single submitter. Criteria: Ambry Variant Classification Scheme 2023. Collection method: clinical testing. Allele origin: germline.

Labcorp Genetics (formerly Invitae), Labcorp
Classification: Uncertain significance. Last evaluated: 2021-03-28. Review status: criteria provided, single submitter. Criteria: Invitae Variant Classification Sherloc (09022015). Collection method: clinical testing. Allele origin: germline.
Comment: This sequence change replaces glutamic acid with aspartic acid at codon 70 of the STX3 protein (p.Glu70Asp). The glutamic acid residue is highly conserved and there is a small physicochemical difference between glutamic acid and aspartic acid. This variant is present in population databases (rs140824363, ExAC 0.005%). This variant has not been reported in the literature in individuals with STX3-related conditions. Algorithms developed to predict the effect of missense changes on protein structure and function are either unavailable or do not agree on the potential impact of this missense change (SIFT: "Deleterious"; PolyPhen-2: "Benign"; Align-GVGD: "Class C0"). In summary, the available evidence is currently insufficient to determine the role of this variant in disease. Therefore, it has been classified as a Variant of Uncertain Significance.

NM_004177.5(STX3):c.210G>C (p.Glu70Asp)

Gene: STX3 (syntaxin 3; plus strand). Cytogenetic location: 11q12.1.
Variant type: single nucleotide variant.
Coding change: c.210G>C on transcript NM_004177.5 (MANE Select); coding-DNA position 210, G replaced by C.
Protein change: p.Glu70Asp; replaces glutamic acid 70 with aspartic acid.
Molecular consequence: missense variant.
Genome position (GRCh38, 1-based): chr11:59,787,132, G>C. VCF-style: chr11-59787132-G-C. GRCh37 (hg19) VCF-style: chr11-59554605-G-C.
Other names: c.210G>C, p.Glu70Asp (NM_001178040.3); short protein forms E70D.
Identifiers: ClinVar variation 1470754 (VCV001470754.9), dbSNP rs140824363, ClinGen allele CA6020768.